The following is an entry in ClinVar:

ClinVar aggregate classification (germline): Pathogenic (1 of 4 stars; one submission).

Conditions:
Cardiovascular phenotype. Identifiers: MedGen CN230736.

Submission:

Ambry Genetics
Classification: Pathogenic for Cardiovascular phenotype. Last evaluated: 2023-04-17. Review status: criteria provided, single submitter. Criteria: Ambry Variant Classification Scheme 2023. Collection method: clinical testing. Allele origin: germline.
Comment: The c.1105dupG pathogenic mutation, located in coding exon 3 of the MYPN gene, results from a duplication of G at nucleotide position 1105, causing a translational frameshift with a predicted alternate stop codon (p.D369Gfs*3). This variant is considered to be rare based on population cohorts in the Genome Aggregation Database (gnomAD). This alteration is expected to result in loss of function by premature protein truncation or nonsense-mediated mRNA decay. As such, this alteration is interpreted as a disease-causing mutation.

NM_032578.4(MYPN):c.1105dup (p.Asp369fs)

Gene: MYPN (myopalladin; plus strand). Cytogenetic location: 10q21.3.
Variant type: Duplication.
Coding change: c.1105dup on transcript NM_032578.4 (MANE Select); coding-DNA position 1105, one base duplicated (G; older notation c.1105dupG).
Protein change: p.Asp369fs; shifts the reading frame from aspartic acid 369.
Molecular consequence: frameshift variant. On other transcripts: non-coding transcript variant (2).
Genome position (GRCh38, 1-based): chr10:68,145,501, G duplicated. VCF-style (leftmost placement, unchanged base first): chr10-68145500-C-CG. GRCh37 (hg19) VCF-style: chr10-69905257-C-CG.
Other names: c.1105dup, p.Asp369fs (NM_001256267.2); c.223dup, p.Asp75fs (NM_001256268.2); short protein forms D75fs, D369fs.
Identifiers: ClinVar variation 2563969 (VCV002563969.2), dbSNP rs2495590778, ClinGen allele CA2580615631.